The following is an entry in ClinVar:

NM_004544.4(NDUFA10):c.-38T>G

Gene: NDUFA10 (NADH:ubiquinone oxidoreductase subunit A10; minus strand). Cytogenetic location: 2q37.3.
Variant type: single nucleotide variant.
Coding change: c.-38T>G on transcript NM_004544.4 (MANE Select); 38 bases upstream of the start codon, T replaced by G.
Molecular consequence: 5 prime UTR variant. On other transcripts: non-coding transcript variant (4).
Genome position (GRCh38, 1-based): chr2:240,025,339, A>C on the plus strand (T>G on the coding strand, the complement: NDUFA10 is on the minus strand). VCF-style: chr2-240025339-A-C. GRCh37 (hg19) VCF-style: chr2-240964756-A-C.
Other names: c.-38T>G (NM_001322019.2, NM_001322020.2).
Identifiers: ClinVar variation 214699 (VCV000214699.5), dbSNP rs374970309, ClinGen allele CA324598.

ClinVar aggregate classification (germline): Conflicting classifications of pathogenicity. Review status: criteria provided, conflicting classifications (1 of 4 stars). 3 submissions from 2 submitters: Uncertain significance (1); Benign (1); Likely benign (1). Last evaluated 2018-01-13.

Conditions:
Mitochondrial complex I deficiency, nuclear type 1. Also called: NADH-COENZYME Q REDUCTASE DEFICIENCY; MITOCHONDRIAL NADH DEHYDROGENASE COMPONENT OF COMPLEX I, DEFICIENCY OF. Identifiers: MedGen C6022305, MONDO:0100224, OMIM 252010.
Leigh syndrome (NULS). Also called: LEIGH SYNDROME, NUCLEAR; Leigh Disease; Leigh's necrotizing encephalopathy; Leigh's disease; Leigh Syndrome (mtDNA deletion); Subacute necrotizing encephalopathy. Identifiers: Orphanet 506, MedGen C2931891, MONDO:0009723, OMIM 256000.

Allele frequency attached by ClinVar (database versions not stated): gnomAD exomes 0.00017; ExAC 0.00026; ESP Exome Variant Server 0.00036; 1000 Genomes Project 30x 0.00109; 1000 Genomes Project 0.00120; gnomAD 0.00184 and 0.00206; TOPMed 0.00194.
gnomAD v4.1: 462 of 1,470,392 alleles (0.031%); highest among the groups gnomAD compares: African/African-American, 0.58%; 5 homozygotes.

Submissions (3):

Illumina Laboratory Services, Illumina
Classification: Uncertain significance for Mitochondrial complex I deficiency, nuclear type 1. Last evaluated: 2018-01-13. Review status: criteria provided, single submitter. Criteria: ICSL Variant Classification Criteria 13 December 2019. Collection method: clinical testing. Allele origin: germline.

Illumina Laboratory Services, Illumina
Classification: Likely benign for Leigh syndrome. Last evaluated: 2018-01-13. Review status: criteria provided, single submitter. Criteria: ICSL Variant Classification Criteria 13 December 2019. Collection method: clinical testing. Allele origin: germline.
Comment: This variant was observed in the ICSL laboratory as part of a predisposition screen in an ostensibly healthy population. It had not been previously curated by ICSL or reported in the Human Gene Mutation Database (HGMD: prior to June 1st, 2018), and was therefore a candidate for classification through an automated scoring system. Utilizing variant allele frequency, disease prevalence and penetrance estimates, and inheritance mode, an automated score was calculated to assess if this variant is too frequent to cause the disease. Based on the score and internal cut-off values, a variant classified as likely benign is not then subjected to further curation. The score for this variant resulted in a classification of likely benign for this disease.

GeneDx
Classification: Benign. Last evaluated: 2014-12-29. Review status: criteria provided, single submitter. Criteria: GeneDx Variant Classification (06012015). Collection method: clinical testing. Allele origin: germline. Affected: yes.
Comment: This variant is considered likely benign or benign based on one or more of the following criteria: it is a conservative change, it occurs at a poorly conserved position in the protein, it is predicted to be benign by multiple in silico algorithms, and/or has population frequency not consistent with disease.